The following is an entry in ClinVar:

ClinVar aggregate classification (germline): Uncertain significance (1 of 4 stars; one submission).

Allele frequency attached by ClinVar (database versions not stated): gnomAD exomes below 0.00001.

Submission:

Labcorp Genetics (formerly Invitae), Labcorp
Classification: Uncertain significance. Last evaluated: 2022-06-18. Review status: criteria provided, single submitter. Criteria: Invitae Variant Classification Sherloc (09022015). Collection method: clinical testing. Allele origin: germline.
Comment: In summary, the available evidence is currently insufficient to determine the role of this variant in disease. Therefore, it has been classified as a Variant of Uncertain Significance. Algorithms developed to predict the effect of missense changes on protein structure and function are either unavailable or do not agree on the potential impact of this missense change (SIFT: "Deleterious"; PolyPhen-2: "Probably Damaging"; Align-GVGD: "Class C0"). This variant has not been reported in the literature in individuals affected with RP9-related conditions. This variant is not present in population databases (gnomAD no frequency). This sequence change replaces glutamine, which is neutral and polar, with histidine, which is basic and polar, at codon 104 of the RP9 protein (p.Gln104His).

NM_203288.2(RP9):c.312G>T (p.Gln104His)

Gene: RP9 (RP9 pre-mRNA splicing factor; minus strand). Cytogenetic location: 7p14.3.
Variant type: single nucleotide variant.
Coding change: c.312G>T on transcript NM_203288.2 (MANE Select); coding-DNA position 312, G replaced by T.
Protein change: p.Gln104His; replaces glutamine 104 with histidine.
Molecular consequence: missense variant.
Genome position (GRCh38, 1-based): chr7:33,099,308, C>A on the plus strand (G>T on the coding strand, the complement: RP9 is on the minus strand). VCF-style: chr7-33099308-C-A. GRCh37 (hg19) VCF-style: chr7-33138920-C-A.
Other names: short protein forms Q104H.
Identifiers: ClinVar variation 1960317 (VCV001960317.5), dbSNP rs1788390724, ClinGen allele CA367182898.